The following is an entry in ClinVar:

ClinVar aggregate classification (germline): Likely benign (1 of 4 stars; one submission).

Allele frequency attached by ClinVar (database versions not stated): 1000 Genomes Project 0.00040; 1000 Genomes Project 30x 0.00078; TOPMed 0.00091; ExAC 0.00102; ESP Exome Variant Server 0.00131; gnomAD 0.00135.
gnomAD v4.1: 2,624 of 1,551,644 alleles (0.17%); highest among the groups gnomAD compares: Non-Finnish European, 0.19%; 5 homozygotes.

Submission:

CeGaT Center for Human Genetics Tuebingen
Classification: Likely benign. Last evaluated: 2022-03-01. Review status: criteria provided, single submitter. Criteria: CeGaT Center For Human Genetics Tuebingen Variant Classification Criteria Version 2. Collection method: clinical testing. Allele origin: germline. Affected: yes. Observed: 1 variant allele.
Comment: NWD2: BP4, BP7

NM_001144990.2(NWD2):c.4188C>T (p.Asn1396=)

Gene: NWD2 (NACHT and WD repeat domain containing 2; plus strand). Cytogenetic location: 4p14.
Variant type: single nucleotide variant.
Coding change: c.4188C>T on transcript NM_001144990.2 (MANE Select); coding-DNA position 4188, C replaced by T.
Protein change: p.Asn1396=; no amino-acid change (asparagine 1396 retained).
Molecular consequence: synonymous variant.
Genome position (GRCh38, 1-based): chr4:37,446,176, C>T. VCF-style: chr4-37446176-C-T. GRCh37 (hg19) VCF-style: chr4-37447798-C-T.
Identifiers: ClinVar variation 2654716 (VCV002654716.24), dbSNP rs187072975, ClinGen allele CA2886016.